The following is an entry in ClinVar:

NM_020975.6(RET):c.572T>C (p.Leu191Pro)

Gene: RET (ret proto-oncogene; plus strand). Cytogenetic location: 10q11.21.
Variant type: single nucleotide variant.
Coding change: c.572T>C on transcript NM_020975.6 (MANE Select); coding-DNA position 572, T replaced by C.
Protein change: p.Leu191Pro; replaces leucine 191 with proline.
Molecular consequence: missense variant.
Genome position (GRCh38, 1-based): chr10:43,102,576, T>C. VCF-style: chr10-43102576-T-C. GRCh37 (hg19) VCF-style: chr10-43598024-T-C.
Other names: c.572T>C, p.Leu191Pro (NM_001406743.1, NM_001406744.1, NM_001406759.1 and 16 more transcripts); c.443T>C, p.Leu148Pro (NM_001406761.1, NM_001406762.1, NM_001406764.1 and 4 more transcripts); short protein forms L191P, L148P.
Identifiers: ClinVar variation 1749328 (VCV001749328.7), dbSNP rs2492164016, ClinGen allele CA376543538.
Genomic context (GRCh38, chr10:43,102,576, plus strand): 5'-GGCCCTCCTTCCGCATTCGGGAGAACCGACCCCCAGGCACCTTCCACCAGTTCCGCCTGC[T>C]GCCTGTGCAGTTCTTGTGCCCCAACATCAGCGTGGCCTACAGGCTCCTGGAGGGTGAGTG-3'
Protein context (NP_066124.1, residues 181-201): PPGTFHQFRL[Leu191Pro]PVQFLCPNIS

ClinVar aggregate classification (germline): Uncertain significance. Review status: criteria provided, multiple submitters, no conflicts (2 of 4 stars). 2 submissions from 2 submitters: Uncertain significance (2). Last evaluated 2022-04-11.

Conditions:
Hereditary cancer-predisposing syndrome. Also called: Hereditary Cancer Syndrome; Hereditary neoplastic syndrome; Neoplastic Syndromes, Hereditary; Tumor predisposition. Identifiers: Orphanet 140162, MedGen C0027672, MeSH D009386, MONDO:0015356.
Multiple endocrine neoplasia, type 2 (MEN2). Identifiers: Orphanet 653, MedGen C4048306, MONDO:0019003. Disease mechanism: gain of function.

Allele frequency attached by ClinVar (database versions not stated): gnomAD exomes below 0.00001.
gnomAD v4.1: 5 of 1,614,248 alleles (0.00031%); highest among the groups gnomAD compares: Non-Finnish European, 0.00042%; no homozygotes.

Submissions (2):

Labcorp Genetics (formerly Invitae), Labcorp
Classification: Uncertain significance for Multiple endocrine neoplasia, type 2. Last evaluated: 2022-04-11. Review status: criteria provided, single submitter. Criteria: Invitae Variant Classification Sherloc (09022015). Collection method: clinical testing. Allele origin: germline.
Comment: In summary, the available evidence is currently insufficient to determine the role of this variant in disease. Therefore, it has been classified as a Variant of Uncertain Significance. Algorithms developed to predict the effect of missense changes on protein structure and function (SIFT, PolyPhen-2, Align-GVGD) all suggest that this variant is likely to be tolerated. This variant has not been reported in the literature in individuals affected with RET-related conditions. This sequence change replaces leucine, which is neutral and non-polar, with proline, which is neutral and non-polar, at codon 191 of the RET protein (p.Leu191Pro). This variant is not present in population databases (gnomAD no frequency).

Ambry Genetics
Classification: Uncertain significance for Hereditary cancer-predisposing syndrome. Last evaluated: 2022-04-07. Review status: criteria provided, single submitter. Criteria: Ambry Variant Classification Scheme 2023. Collection method: clinical testing. Allele origin: germline.
Comment: The p.L191P variant (also known as c.572T>C), located in coding exon 3 of the RET gene, results from a T to C substitution at nucleotide position 572. The leucine at codon 191 is replaced by proline, an amino acid with similar properties. This amino acid position is conserved. In addition, the in silico prediction for this alteration is inconclusive. Since supporting evidence is limited at this time, the clinical significance of this alteration remains unclear.